The following is an entry in ClinVar:

ClinVar aggregate classification (germline): Conflicting classifications of pathogenicity. Review status: criteria provided, conflicting classifications (1 of 4 stars). 8 submissions from 8 submitters: Uncertain significance (7); Likely benign (1). Last evaluated 2026-04-08.

Conditions:
Epidermolysis bullosa simplex, Ogna type (EBS5A). Also called: Pidermolysis bullosa simplex 5A, Ogna type; EPIDERMOLYSIS BULLOSA SIMPLEX 5A, OGNA TYPE. Identifiers: Orphanet 79401, MedGen C0432317, MONDO:0007555, OMIM 131950.
Autosomal recessive limb-girdle muscular dystrophy type 2Q (LGMDR17). Also called: MUSCULAR DYSTROPHY, LIMB-GIRDLE, AUTOSOMAL RECESSIVE 17. Identifiers: Orphanet 254361, MedGen C3150989, MONDO:0013390, OMIM 613723.
Epidermolysis bullosa simplex 5B, with muscular dystrophy (EBS5B). Also called: Epidermolysis bullosa simplex with muscular dystrophy; EPIDERMOLYSIS BULLOSA SIMPLEX AND LIMB-GIRDLE MUSCULAR DYSTROPHY. Identifiers: Orphanet 257, MedGen C2931072, MONDO:0009181, OMIM 226670.
Epidermolysis bullosa simplex with nail dystrophy (EBS5D). Identifiers: MedGen C4225309, MONDO:0014661, OMIM 616487.
Epidermolysis bullosa simplex 5C, with pyloric atresia (EBS5C). Also called: PLEC-Related Epidermolysis Bullosa with Pyloric Atresia; Epidermolysis bullosa simplex with pyloric atresia; PLEC1-Related Epidermolysis Bullosa with Pyloric Atresia. Identifiers: Orphanet 158684, MedGen C2677349, MONDO:0012807, OMIM 612138.
PLEC-related disorder. Also called: PLEC-related condition; PLEC-related disorders.
Autosomal recessive limb-girdle muscular dystrophy. Identifiers: Orphanet 102015, MedGen C2931907, MONDO:0015152.

Allele frequency attached by ClinVar (database versions not stated): TOPMed 0.00022; ESP Exome Variant Server 0.00031.
gnomAD v4.1: 672 of 1,613,184 alleles (0.042%); highest among the groups gnomAD compares: Non-Finnish European, 0.056%; no homozygotes.

Submissions (8):

PreventionGenetics, part of Exact Sciences
Classification: Uncertain significance for PLEC-related condition. Last evaluated: 2026-04-08. Review status: criteria provided, single submitter. Criteria: ACMG Guidelines, 2015. Collection method: clinical testing. Allele origin: germline.
Comment: The PLEC c.7451G>C variant is predicted to result in the amino acid substitution p.Arg2484Pro. To our knowledge, this variant has not been reported in the literature. This variant is reported in 0.044% of alleles in individuals of European (Non-Finnish) descent in gnomAD. Although we suspect that this variant may be benign, at this time, the clinical significance of this variant is uncertain due to the absence of conclusive functional and genetic evidence.

Labcorp Genetics (formerly Invitae), Labcorp
Classification: Uncertain significance for Autosomal recessive limb-girdle muscular dystrophy type 2Q; Epidermolysis bullosa simplex, Ogna type; Epidermolysis bullosa simplex with nail dystrophy; Epidermolysis bullosa simplex 5C, with pyloric atresia; Epidermolysis bullosa simplex 5B, with muscular dystrophy. Last evaluated: 2026-01-01. Review status: criteria provided, single submitter. Criteria: Invitae Variant Classification Sherloc (09022015). Collection method: clinical testing. Allele origin: germline.
Comment: This sequence change replaces arginine, which is basic and polar, with proline, which is neutral and non-polar, at codon 2484 of the PLEC protein (p.Arg2484Pro). This variant is present in population databases (rs199504105, gnomAD 0.05%). This variant has not been reported in the literature in individuals affected with PLEC-related conditions. ClinVar contains an entry for this variant (Variation ID: 471647). An algorithm developed to predict the effect of missense changes on protein structure and function (PolyPhen-2) suggests that this variant is likely to be disruptive. In summary, the available evidence is currently insufficient to determine the role of this variant in disease. Therefore, it has been classified as a Variant of Uncertain Significance.

Revvity Omics, Revvity
Classification: Uncertain significance. Last evaluated: 2025-03-17. Review status: criteria provided, single submitter. Criteria: ACMG Guidelines, 2015. Collection method: clinical testing. Allele origin: germline.

Department of Pathology and Laboratory Medicine, Sinai Health System
Classification: Uncertain significance for autosomal recessive limb-girdle muscular dystrophy. Last evaluated: 2021-05-17. Review status: criteria provided, single submitter. Criteria: ACMG Guidelines, 2015. Collection method: research. Allele origin: germline.

Athena Diagnostics
Classification: Uncertain significance. Last evaluated: 2021-03-31. Review status: criteria provided, single submitter. Criteria: Athena Diagnostics criteria. Collection method: clinical testing. Allele origin: unknown.

GeneDx
Classification: Likely benign. Last evaluated: 2019-08-14. Review status: criteria provided, single submitter. Criteria: GeneDx Variant Classification Process June 2021. Collection method: clinical testing. Allele origin: germline. Affected: yes.

CeGaT Center for Human Genetics Tuebingen
Classification: Uncertain significance. Last evaluated: 2018-10-01. Review status: criteria provided, single submitter. Criteria: CeGaT Center For Human Genetics Tuebingen Variant Classification Criteria Version 2. Collection method: clinical testing. Allele origin: germline. Affected: yes. Observed: 1 variant allele.

Eurofins Ntd Llc (ga)
Classification: Uncertain significance. Last evaluated: 2017-08-01. Review status: criteria provided, single submitter. Criteria: EGL Classification Definitions 2015. Collection method: clinical testing. Allele origin: germline. Observed: 5 variant alleles, 5 heterozygotes.

NM_201384.3(PLEC):c.7370G>C (p.Arg2457Pro)

Gene: PLEC (plectin; minus strand). Cytogenetic location: 8q24.3.
Variant type: single nucleotide variant.
Coding change: c.7370G>C on transcript NM_201384.3 (MANE Select); coding-DNA position 7370, G replaced by C.
Protein change: p.Arg2457Pro; replaces arginine 2457 with proline.
Molecular consequence: missense variant.
Genome position (GRCh38, 1-based): chr8:143,922,559, C>G on the plus strand (G>C on the coding strand, the complement: PLEC is on the minus strand). VCF-style: chr8-143922559-C-G. GRCh37 (hg19) VCF-style: chr8-144996727-C-G.
Other names: c.7451G>C, p.Arg2484Pro (NM_000445.5); c.7328G>C, p.Arg2443Pro (NM_201378.4); c.7304G>C, p.Arg2435Pro (NM_201379.3); c.7781G>C, p.Arg2594Pro (NM_201380.4); c.7274G>C, p.Arg2425Pro (NM_201381.3); c.7370G>C, p.Arg2457Pro (NM_201382.4); c.7382G>C, p.Arg2461Pro (NM_201383.3); short protein forms R2594P, R2425P, R2443P, R2484P, R2457P, R2435P, R2461P.
Identifiers: ClinVar variation 471647 (VCV000471647.63), dbSNP rs199504105, ClinGen allele CA4925672.